The following is an entry in ClinVar:

NM_000264.5(PTCH1):c.945+20G>A

Gene: PTCH1 (patched 1; minus strand). Cytogenetic location: 9q22.32.
Variant type: single nucleotide variant.
Coding change: c.945+20G>A on transcript NM_000264.5 (MANE Select); 20 bases into the intron after coding-DNA position 945, G replaced by A.
Molecular consequence: intron variant.
Genome position (GRCh38, 1-based): chr9:95,480,370, C>T on the plus strand (G>A on the coding strand, the complement: PTCH1 is on the minus strand). VCF-style: chr9-95480370-C-T. GRCh37 (hg19) VCF-style: chr9-98242652-C-T.
Other names: c.942+20G>A (NM_001083603.3); c.747+20G>A (NM_001083602.3); c.945+20G>A (NM_001354918.2); c.492+20G>A (NM_001083605.3, NM_001083604.3, NM_001083606.3 and 1 more transcripts).
Identifiers: ClinVar variation 381307 (VCV000381307.16), dbSNP rs374618901, ClinGen allele CA5138809.

ClinVar aggregate classification (germline): Benign/Likely benign. Review status: criteria provided, multiple submitters, no conflicts (2 of 4 stars). 6 submissions from 6 submitters: Benign (1); Likely benign (3). 2 of the submissions do not count toward it. Last evaluated 2026-01-28.

Conditions:
Gorlin syndrome. Also called: Nevoid Basal Cell Carcinoma Syndrome; Basal cell nevus syndrome. Identifiers: Orphanet 377, MedGen C0004779, MONDO:0007187.

Allele frequency attached by ClinVar (database versions not stated): gnomAD 0.00038 and 0.00040; gnomAD exomes 0.00039; TOPMed 0.00043; ExAC 0.00053; ESP Exome Variant Server 0.00108.
gnomAD v4.1: 1,180 of 1,608,652 alleles (0.073%); highest among the groups gnomAD compares: Non-Finnish European, 0.096%; 3 homozygotes.

Submissions (6):

Labcorp Genetics (formerly Invitae), Labcorp
Classification: Benign for Gorlin syndrome. Last evaluated: 2026-01-28. Review status: criteria provided, single submitter. Criteria: Invitae Variant Classification Sherloc (09022015). Collection method: clinical testing. Allele origin: germline.

Center for Genomic Medicine, Rigshospitalet, Copenhagen University Hospital
Classification: Likely benign. Last evaluated: 2025-03-04. Review status: criteria provided, single submitter. Criteria: ACMG Guidelines, 2015. Collection method: clinical testing. Allele origin: germline.

Blueprint Genetics
Classification: Likely benign. Last evaluated: 2024-10-16. Review status: criteria provided, single submitter. Criteria: ACMG Guidelines, 2015. Collection method: clinical testing. Allele origin: germline.

GeneDx
Classification: Likely benign. Last evaluated: 2016-11-07. Review status: criteria provided, single submitter. Criteria: GeneDx Variant Classification (06012015). Collection method: clinical testing. Allele origin: germline. Affected: yes.
Comment: This variant is considered likely benign or benign based on one or more of the following criteria: it is a conservative change, it occurs at a poorly conserved position in the protein, it is predicted to be benign by multiple in silico algorithms, and/or has population frequency not consistent with disease.

Diagnostic Laboratory, Department of Genetics, University Medical Center Groningen
Classification: Likely benign. Review status: no assertion criteria provided. Collection method: clinical testing. Allele origin: germline. Affected: yes. Study: VKGL Data-share Consensus. Not counted in ClinVar's aggregate classification.

Joint Genome Diagnostic Labs from Nijmegen and Maastricht, Radboudumc and MUMC+
Classification: Likely benign. Review status: no assertion criteria provided. Collection method: clinical testing. Allele origin: germline. Affected: yes. Study: VKGL Data-share Consensus. Not counted in ClinVar's aggregate classification.